The following is an entry in ClinVar:

ClinVar aggregate classification (germline): Pathogenic/Likely pathogenic. Review status: criteria provided, multiple submitters, no conflicts (2 of 4 stars). 6 submissions from 6 submitters: Pathogenic (5); Likely pathogenic (1). Last evaluated 2026-01-26.

Conditions:
Dilated cardiomyopathy 1G (CMD1G). Identifiers: Orphanet 154, MedGen C1858763, MONDO:0011400, OMIM 604145.
Autosomal recessive limb-girdle muscular dystrophy type 2J (LGMDR10). Also called: MUSCULAR DYSTROPHY, LIMB-GIRDLE, AUTOSOMAL RECESSIVE 10; Limb-girdle muscular dystrophy, type 2J. Identifiers: Orphanet 140922, MedGen C1837342, MONDO:0012127, OMIM 608807.
Cardiovascular phenotype. Identifiers: MedGen CN230736.
Tibial muscular dystrophy (TMD). Also called: Udd Distal Myopathy – Tibial Muscular Dystrophy; Tibial muscular dystrophy, tardive; UDD MYOPATHY. Identifiers: Orphanet 609, MedGen C1838244, MONDO:0010870, OMIM 600334.
Myopathy, myofibrillar, 9, with early respiratory failure (MFM9). Also called: Hereditary myopathy with early respiratory failure; EDSTROM MYOPATHY; Myopathy, distal, with early respiratory failure, autosomal dominant; MYOPATHY, PROXIMAL, WITH EARLY RESPIRATORY MUSCLE INVOLVEMENT. Identifiers: Orphanet 178464, Orphanet 34521, MedGen C1863599, MONDO:0011362, OMIM 603689.
Early-onset myopathy with fatal cardiomyopathy (CMYO5). Also called: CONGENITAL MYOPATHY 5 WITH CARDIOMYOPATHY; Salih Myopathy. Identifiers: Orphanet 289377, MedGen C2673677, MONDO:0012714, OMIM 611705. Disease mechanism: loss of function.
Hypertrophic cardiomyopathy 9. Also called: Familial hypertrophic cardiomyopathy 9. Identifiers: MedGen C1861065, MONDO:0013412, OMIM 613765.

Allele frequency attached by ClinVar (database versions not stated): gnomAD exomes 0.00001 and below 0.00001; TOPMed below 0.00001.
gnomAD v4.1: 3 of 1,612,466 alleles (0.00019%); highest among the groups gnomAD compares: Admixed American, 0.0017%; no homozygotes.

Submissions (6):

Ambry Genetics
Classification: Pathogenic for Cardiovascular phenotype. Last evaluated: 2026-01-26. Review status: criteria provided, single submitter. Criteria: Ambry Variant Classification Scheme 2023. Collection method: clinical testing. Allele origin: germline.
Comment: The p.R12602* pathogenic mutation (also known as c.37804C>T), located in coding exon 138 of the TTN gene, results from a C to T substitution at nucleotide position 37804. This changes the amino acid from an arginine to a stop codon within coding exon 138. This exon is located in the A-band region of the N2-B isoform of the titin protein and is constitutively expressed in TTN transcripts (percent spliced in or PSI 100%). This variant was reported in individual(s) with dilated cardiomyopathy (Verdonschot JAJ et al. Circ Genom Precis Med, 2020 10;13:476-487; external communication). Note, this variant is also referred to as c.64999C>T p.R21667* in the literature. This variant is considered to be rare based on population cohorts in the Genome Aggregation Database (gnomAD). This variant is expected to result in loss of function by premature protein truncation or nonsense-mediated mRNA decay. While truncating variants in TTN are present in 1-3% of the general population, truncating variants in the A-band are the most common cause of dilated cardiomyopathy (Herman DS et al. N. Engl. J. Med., 2012 Feb;366:619-28; Roberts AM et al. Sci Transl Med, 2015 Jan;7:270ra6). TTN truncating variants encoded in constitutive exons (PSI >90%) have been found to be significantly associated with DCM regardless of their position in titin (Schafer S et al. Nat. Genet., 2017 01;49:46-53; Akhtar MM et al. Circ Heart Fail, 2020 Oct;13:e006832; Massier M et al. Clin Genet, 2025 Jan). Based on the supporting evidence, this variant is interpreted as a disease-causing mutation.

Labcorp Genetics (formerly Invitae), Labcorp
Classification: Pathogenic for Dilated cardiomyopathy 1G; Autosomal recessive limb-girdle muscular dystrophy type 2J. Last evaluated: 2026-01-11. Review status: criteria provided, single submitter. Criteria: Invitae Variant Classification Sherloc (09022015). Collection method: clinical testing. Allele origin: germline.
Comment: This sequence change creates a premature translational stop signal (p.Arg21667*) in the TTN gene. While this is not anticipated to result in nonsense mediated decay, it is expected to create a truncated TTN protein. The frequency data for this variant in the population databases is considered unreliable, as metrics indicate poor data quality at this position in the gnomAD database. This premature translational stop signal has been observed in individuals with clinical features of dilated cardiomyopathy (PMID: 32880476, 36264615; internal data). ClinVar contains an entry for this variant (Variation ID: 202399). This variant is located in the A band of TTN (PMID: 25589632). Truncating variants in this region are significantly overrepresented in patients affected with dilated cardiomyopathy (PMID: 25589632). Truncating variants in this region have also been reported in individuals affected with autosomal recessive centronuclear myopathy (PMID: 23975875). For these reasons, this variant has been classified as Pathogenic.

GeneDx
Classification: Pathogenic. Last evaluated: 2024-11-23. Review status: criteria provided, single submitter. Criteria: GeneDx Variant Classification Process June 2021. Collection method: clinical testing. Allele origin: germline. Affected: yes.
Comment: Reported in patients with DCM in published literature (PMID: 32880476, 36264615); Nonsense variant predicted to result in protein truncation or nonsense mediated decay in a gene for which loss of function is a known mechanism of disease; Located in the A-band region of TTN in which the majority of loss of function variants have been associated with autosomal dominant titinopathies (PMID: 22335739); Not observed at significant frequency in large population cohorts (gnomAD); This variant is associated with the following publications: (PMID: 35177841, 32880476, 36264615, 22335739)

Dasa
Classification: Pathogenic. Last evaluated: 2024-06-03. Review status: criteria provided, single submitter. Criteria: DASA Assertion Criteria. Collection method: clinical testing. Allele origin: germline.
Comment: NM_001267550.2(TTN):c.64999C>T (p.Arg21667*) introduces a premature termination codon predicted to result in loss of normal protein function. Loss-of-function is an established mechanism of disease for this gene. Based on the available data, this variant is classified as pathogenic.

Institute of Human Genetics, University of Leipzig Medical Center
Classification: Pathogenic for Dilated cardiomyopathy 1G. Last evaluated: 2023-01-17. Review status: criteria provided, single submitter. Criteria: ACMG Guidelines, 2015. Collection method: clinical testing. Allele origin: unknown. Affected: yes.
Comment: _x000D_ Criteria applied: PVS1, PS4_MOD, PM2_SUP

Fulgent Genetics
Classification: Likely pathogenic for Tibial muscular dystrophy; Myopathy, myofibrillar, 9, with early respiratory failure; Dilated cardiomyopathy 1G; Autosomal recessive limb-girdle muscular dystrophy type 2J; Early-onset myopathy with fatal cardiomyopathy; Hypertrophic cardiomyopathy 9. Last evaluated: 2021-08-12. Review status: criteria provided, single submitter. Criteria: ACMG Guidelines, 2015. Collection method: clinical testing. Allele origin: unknown.

Literature cited by the submitters: PubMed 32880476 (cited by Ambry Genetics and Labcorp Genetics (formerly Invitae), Labcorp); PubMed 36264615 (cited by Labcorp Genetics (formerly Invitae), Labcorp); PubMed 25589632 (cited by Labcorp Genetics (formerly Invitae), Labcorp); PubMed 23975875 (cited by Labcorp Genetics (formerly Invitae), Labcorp).

NM_001267550.2(TTN):c.64999C>T (p.Arg21667Ter)

Genes: TTN (titin; minus strand), TTN-AS1 (TTN antisense RNA 1; plus strand). Cytogenetic location: 2q31.2.
Variant type: single nucleotide variant.
Coding change: c.64999C>T on transcript NM_001267550.2 (MANE Select); coding-DNA position 64999, C replaced by T.
Protein change: p.Arg21667Ter; replaces arginine 21667 with a stop codon.
Molecular consequence: nonsense.
Genome position (GRCh38, 1-based): chr2:178,584,552, G>A on the plus strand (C>T on the coding strand, the complement: TTN is on the minus strand). VCF-style: chr2-178584552-G-A. GRCh37 (hg19) VCF-style: chr2-179449279-G-A.
Other names: p.R20026*:CGA>TGA; c.60076C>T, p.Arg20026Ter (NM_001256850.1); c.37804C>T, p.Arg12602Ter (NM_003319.4); c.57295C>T, p.Arg19099Ter (NM_133378.4); c.38179C>T, p.Arg12727Ter (NM_133432.3); c.38380C>T, p.Arg12794Ter (NM_133437.4); short protein forms R20026*, R21667*, R12727*, R19099*, R12602*, R12794*.
Identifiers: ClinVar variation 202399 (VCV000202399.20), dbSNP rs794729280, ClinGen allele CA309296.